The following is an entry in ClinVar:

ClinVar aggregate classification (germline): Likely benign. Review status: criteria provided, multiple submitters, no conflicts (2 of 4 stars). 3 submissions from 3 submitters: Likely benign (3). Last evaluated 2022-10-04.

Allele frequency attached by ClinVar (database versions not stated): gnomAD exomes 0.00002; ExAC 0.00003; TOPMed 0.00003.
gnomAD v4.1: 40 of 1,609,736 alleles (0.0025%); highest among the groups gnomAD compares: African/African-American, 0.0027%; no homozygotes.

Submissions (3):

Labcorp Genetics (formerly Invitae), Labcorp
Classification: Likely benign. Last evaluated: 2022-10-04. Review status: criteria provided, single submitter. Criteria: Invitae Variant Classification Sherloc (09022015). Collection method: clinical testing. Allele origin: germline.

Blueprint Genetics
Classification: Likely benign. Last evaluated: 2020-10-20. Review status: criteria provided, single submitter. Criteria: ACMG Guidelines, 2015. Collection method: clinical testing. Allele origin: germline.

GeneDx
Classification: Likely benign. Last evaluated: 2016-10-10. Review status: criteria provided, single submitter. Criteria: GeneDx Variant Classification (06012015). Collection method: clinical testing. Allele origin: germline. Affected: yes.
Comment: This variant is considered likely benign or benign based on one or more of the following criteria: it is a conservative change, it occurs at a poorly conserved position in the protein, it is predicted to be benign by multiple in silico algorithms, and/or has population frequency not consistent with disease.

NM_001083961.2(WDR62):c.1752C>T (p.Thr584=)

Gene: WDR62 (WD repeat domain 62; plus strand). Cytogenetic location: 19q13.12.
Variant type: single nucleotide variant.
Coding change: c.1752C>T on transcript NM_001083961.2 (MANE Select); coding-DNA position 1752, C replaced by T.
Protein change: p.Thr584=; no amino-acid change (threonine 584 retained).
Molecular consequence: synonymous variant.
Genome position (GRCh38, 1-based): chr19:36,086,796, C>T. VCF-style: chr19-36086796-C-T. GRCh37 (hg19) VCF-style: chr19-36577698-C-T.
Other names: c.1752C>T, p.Thr584= (NM_173636.5).
Identifiers: ClinVar variation 389924 (VCV000389924.6), dbSNP rs752866383, ClinGen allele CA9395701.